The following is an entry in ClinVar:

ClinVar aggregate classification (germline): Uncertain significance (1 of 4 stars; one submission).

Submission:

Labcorp Genetics (formerly Invitae), Labcorp
Classification: Uncertain significance. Last evaluated: 2024-03-10. Review status: criteria provided, single submitter. Criteria: Invitae Variant Classification Sherloc (09022015). Collection method: clinical testing. Allele origin: germline.
Comment: This sequence change replaces glycine, which is neutral and non-polar, with aspartic acid, which is acidic and polar, at codon 380 of the GRIN2D protein (p.Gly380Asp). This variant is not present in population databases (gnomAD no frequency). This variant has not been reported in the literature in individuals affected with GRIN2D-related conditions. Advanced modeling of protein sequence and biophysical properties (such as structural, functional, and spatial information, amino acid conservation, physicochemical variation, residue mobility, and thermodynamic stability) performed at Invitae indicates that this missense variant is expected to disrupt GRIN2D protein function with a positive predictive value of 80%. In summary, the available evidence is currently insufficient to determine the role of this variant in disease. Therefore, it has been classified as a Variant of Uncertain Significance.

NM_000836.4(GRIN2D):c.1139G>A (p.Gly380Asp)

Gene: GRIN2D (glutamate ionotropic receptor NMDA type subunit 2D; plus strand). Cytogenetic location: 19q13.33.
Variant type: single nucleotide variant.
Coding change: c.1139G>A on transcript NM_000836.4 (MANE Select); coding-DNA position 1139, G replaced by A.
Protein change: p.Gly380Asp; replaces glycine 380 with aspartic acid.
Molecular consequence: missense variant.
Genome position (GRCh38, 1-based): chr19:48,414,044, G>A. VCF-style: chr19-48414044-G-A. GRCh37 (hg19) VCF-style: chr19-48917301-G-A.
Other names: short protein forms G380D.
Identifiers: ClinVar variation 3694345 (VCV003694345.2).
Genomic context (GRCh38, chr19:48,414,044, plus strand): 5'-TGGGCAGGTACTTCATGAACATCACGTGGGATAACCGGGATTACTCCTTCAATGAGGACG[G>A]CTTCCTAGTGAACCCCTCCCTGGTGGTCATCTCCCTCACCAGAGACAGGACGTGGGAGGT-3'
Protein context (NP_000827.2, residues 370-390): DNRDYSFNED[Gly380Asp]FLVNPSLVVI